The following is an entry in ClinVar:

ClinVar aggregate classification (germline): Uncertain significance. Review status: criteria provided, multiple submitters, no conflicts (2 of 4 stars). 2 submissions from 2 submitters: Uncertain significance (2). Last evaluated 2025-03-20.

Conditions:
Inborn genetic diseases. Identifiers: MedGen C0950123, MeSH D030342.

Allele frequency attached by ClinVar (database versions not stated): gnomAD exomes below 0.00001; gnomAD 0.00001; TOPMed 0.00001; ESP Exome Variant Server 0.00008.
gnomAD v4.1: 2 of 1,613,940 alleles (0.00012%); highest among the groups gnomAD compares: Admixed American, 0.0033%; no homozygotes.

Submissions (2):

Ambry Genetics
Classification: Uncertain significance for Inborn genetic diseases. Last evaluated: 2025-03-20. Review status: criteria provided, single submitter. Criteria: Ambry Variant Classification Scheme 2023. Collection method: clinical testing. Allele origin: germline.

Labcorp Genetics (formerly Invitae), Labcorp
Classification: Uncertain significance. Last evaluated: 2022-05-26. Review status: criteria provided, single submitter. Criteria: Invitae Variant Classification Sherloc (09022015). Collection method: clinical testing. Allele origin: germline.
Comment: This variant is present in population databases (rs371502520, gnomAD 0.1%). This sequence change replaces aspartic acid, which is acidic and polar, with histidine, which is basic and polar, at codon 2090 of the RTTN protein (p.Asp2090His). This variant has not been reported in the literature in individuals affected with RTTN-related conditions. Algorithms developed to predict the effect of missense changes on protein structure and function are either unavailable or do not agree on the potential impact of this missense change (SIFT: "Deleterious"; PolyPhen-2: "Probably Damaging"; Align-GVGD: "Class C0"). In summary, the available evidence is currently insufficient to determine the role of this variant in disease. Therefore, it has been classified as a Variant of Uncertain Significance.

NM_173630.4(RTTN):c.6268G>C (p.Asp2090His)

Gene: RTTN (rotatin; minus strand). Cytogenetic location: 18q22.2.
Variant type: single nucleotide variant.
Coding change: c.6268G>C on transcript NM_173630.4 (MANE Select); coding-DNA position 6268, G replaced by C.
Protein change: p.Asp2090His; replaces aspartic acid 2090 with histidine.
Molecular consequence: missense variant.
Genome position (GRCh38, 1-based): chr18:70,017,560, C>G on the plus strand (G>C on the coding strand, the complement: RTTN is on the minus strand). VCF-style: chr18-70017560-C-G. GRCh37 (hg19) VCF-style: chr18-67684796-C-G.
Other names: c.6268G>C (NM_173630.3); c.3532G>C, p.Asp1178His (NM_001318520.2); short protein forms D2090H, D1178H.
Identifiers: ClinVar variation 2133098 (VCV002133098.5), dbSNP rs371502520, ClinGen allele CA301919932.